The following is an entry in ClinVar:

ClinVar aggregate classification (germline): Likely pathogenic (1 of 4 stars; one submission).

Conditions:
F10-related disorder. Also called: F10-related condition.

gnomAD v4.1: 12 of 1,613,146 alleles (0.00074%); highest among the groups gnomAD compares: African/African-American, 0.012%; no homozygotes.

Submission:

PreventionGenetics, part of Exact Sciences
Classification: Likely pathogenic for F10-related condition. Last evaluated: 2026-08-11. Review status: criteria provided, single submitter. Criteria: ACMG Guidelines, 2015. Collection method: clinical testing. Allele origin: germline.
Comment: The F10 c.1262G>A variant is predicted to result in the amino acid substitution p.Gly421Asp. This variant is alternatively referred to as p.Gly381Asp (p.G381D) using legacy nomenclature and G197D using chymotrypsin numbering. This variant has been reported in the homozygous state in two individuals with Factor X (FX) deficiency and was shown to segregate with FX deficiency in both families (Pinotti et al. 2003. PubMed ID: 12574802; Karimi et al. 2008. PubMed ID: 18403394). Functional studies demonstrate impaired thrombin generation and reduced coagulant activity (Pinotti et al. 2003. PubMed ID: 12574802; Monti et al. 2008. PubMed ID: 19108874). This variant is reported in 0.016% of alleles in individuals of African descent in gnomAD. This variant is interpreted as likely pathogenic.

NM_000504.4(F10):c.1262G>A (p.Gly421Asp)

Genes: F10 (coagulation factor X; plus strand), F10-AS2 (F10 antisense RNA 2; minus strand). Cytogenetic location: 13q34.
Variant type: single nucleotide variant.
Coding change: c.1262G>A on transcript NM_000504.4 (MANE Select); coding-DNA position 1262, G replaced by A.
Protein change: p.Gly421Asp; replaces glycine 421 with aspartic acid.
Molecular consequence: missense variant. On other transcripts: 3 prime UTR variant (1).
Genome position (GRCh38, 1-based): chr13:113,149,312, G>A. VCF-style: chr13-113149312-G-A. GRCh37 (hg19) VCF-style: chr13-113803626-G-A.
Other names: c.1130G>A, p.Gly377Asp (NM_001312674.2); c.*253G>A (NM_001312675.2); short protein forms G377D, G421D.
Identifiers: ClinVar variation 4981941 (VCV004981941.1).